The following is an entry in ClinVar:

NM_014975.3(MAST1):c.1561A>G (p.Met521Val)

Gene: MAST1 (microtubule associated serine/threonine kinase 1; plus strand). Cytogenetic location: 19p13.13.
Variant type: single nucleotide variant.
Coding change: c.1561A>G on transcript NM_014975.3 (MANE Select); coding-DNA position 1561, A replaced by G.
Protein change: p.Met521Val; replaces methionine 521 with valine.
Molecular consequence: missense variant.
Genome position (GRCh38, 1-based): chr19:12,865,101, A>G. VCF-style: chr19-12865101-A-G. GRCh37 (hg19) VCF-style: chr19-12975915-A-G.
Other names: short protein forms M521V.
Identifiers: ClinVar variation 3361163 (VCV003361163.1).

ClinVar aggregate classification (germline): Uncertain significance (1 of 4 stars; one submission).

Submission:

GeneDx
Classification: Uncertain significance. Last evaluated: 2023-07-18. Review status: criteria provided, single submitter. Criteria: GeneDx Variant Classification Process June 2021. Collection method: clinical testing. Allele origin: germline. Affected: yes.
Comment: Not observed at significant frequency in large population cohorts (gnomAD); In silico analysis supports that this missense variant does not alter protein structure/function; In silico analysis suggests this variant may impact gene splicing. In the absence of RNA/functional studies, the actual effect of this sequence change is unknown.; Has not been previously published as pathogenic or benign to our knowledge